The following is an entry in ClinVar:

ClinVar aggregate classification (germline): Uncertain significance (1 of 4 stars; one submission).

Conditions:
Developmental and epileptic encephalopathy, 12 (DEE12). Identifiers: MedGen C3150988, MONDO:0013389, OMIM 613722.

Submission:

Labcorp Genetics (formerly Invitae), Labcorp
Classification: Uncertain significance for Developmental and epileptic encephalopathy, 12. Last evaluated: 2019-11-13. Review status: criteria provided, single submitter. Criteria: Invitae Variant Classification Sherloc (09022015). Collection method: clinical testing. Allele origin: germline.
Comment: This sequence change replaces glutamine with leucine at codon 204 of the PLCB1 protein (p.Gln204Leu). The glutamine residue is moderately conserved and there is a moderate physicochemical difference between glutamine and leucine. In summary, the available evidence is currently insufficient to determine the role of this variant in disease. Therefore, it has been classified as a Variant of Uncertain Significance. Algorithms developed to predict the effect of missense changes on protein structure and function (SIFT, PolyPhen-2, Align-GVGD) all suggest that this variant is likely to be tolerated, but these predictions have not been confirmed by published functional studies and their clinical significance is uncertain. This variant has not been reported in the literature in individuals with PLCB1-related conditions. This variant is not present in population databases (ExAC no frequency).

NM_015192.4(PLCB1):c.611A>T (p.Gln204Leu)

Gene: PLCB1 (phospholipase C beta 1; plus strand). Cytogenetic location: 20p12.3.
Variant type: single nucleotide variant.
Coding change: c.611A>T on transcript NM_015192.4 (MANE Select); coding-DNA position 611, A replaced by T.
Protein change: p.Gln204Leu; replaces glutamine 204 with leucine.
Molecular consequence: missense variant.
Genome position (GRCh38, 1-based): chr20:8,657,200, A>T. VCF-style: chr20-8657200-A-T. GRCh37 (hg19) VCF-style: chr20-8637847-A-T.
Other names: c.611A>T, p.Gln204Leu (NM_182734.3); short protein forms Q204L.
Identifiers: ClinVar variation 966391 (VCV000966391.10), dbSNP rs1989486420, ClinGen allele CA408263830.